The following is an entry in ClinVar:

ClinVar aggregate classification (germline): Benign. Review status: criteria provided, multiple submitters, no conflicts (2 of 4 stars). 2 submissions from 2 submitters: Benign (2). Last evaluated 2018-01-13.

Conditions:
Erythrocytosis, familial, 4 (ECYT4). Identifiers: Orphanet 247511, MedGen C2673187, MONDO:0012729, OMIM 611783.

Allele frequency attached by ClinVar (database versions not stated): gnomAD 0.04346 and 0.04180; 1000 Genomes Project 30x 0.01624; 1000 Genomes Project 0.01717; TOPMed 0.03991; gnomAD exomes 0.06000.
gnomAD v4.1: 6,372 of 152,196 alleles (4.2%); highest among the groups gnomAD compares: Non-Finnish European, 6.7%; 191 homozygotes.

Submissions (2):

Illumina Laboratory Services, Illumina
Classification: Benign for Erythrocytosis, familial, 4. Last evaluated: 2018-01-13. Review status: criteria provided, single submitter. Criteria: ICSL Variant Classification Criteria 13 December 2019. Collection method: clinical testing. Allele origin: germline.
Comment: This variant was observed in the ICSL laboratory as part of a predisposition screen in an ostensibly healthy population. It had not been previously curated by ICSL or reported in the Human Gene Mutation Database (HGMD: prior to June 1st, 2018), and was therefore a candidate for classification through an automated scoring system. Utilizing variant allele frequency, disease prevalence and penetrance estimates, and inheritance mode, an automated score was calculated to assess if this variant is too frequent to cause the disease. Based on the score and internal cut-off values, a variant classified as benign is not then subjected to further curation. The score for this variant resulted in a classification of benign for this disease.

Breakthrough Genomics
Classification: Benign. Review status: criteria provided, single submitter. Criteria: ACMG Guidelines, 2015. Collection method: not provided. Allele origin: germline. Inheritance: Autosomal dominant inheritance. Affected: yes.

NM_001430.5(EPAS1):c.*1239A>G

Gene: EPAS1 (endothelial PAS domain protein 1; plus strand). Cytogenetic location: 2p21.
Variant type: single nucleotide variant.
Coding change: c.*1239A>G on transcript NM_001430.5 (MANE Select); 1239 bases downstream of the stop codon, A replaced by G.
Molecular consequence: 3 prime UTR variant.
Genome position (GRCh38, 1-based): chr2:46,385,899, A>G. VCF-style: chr2-46385899-A-G. GRCh37 (hg19) VCF-style: chr2-46613038-A-G.
Identifiers: ClinVar variation 336309 (VCV000336309.6), dbSNP rs11539645, ClinGen allele CA10615368.